The following is an entry in ClinVar:

ClinVar aggregate classification (germline): Pathogenic (1 of 4 stars; one submission).

Submission:

Labcorp Genetics (formerly Invitae), Labcorp
Classification: Pathogenic. Last evaluated: 2020-12-29. Review status: criteria provided, single submitter. Criteria: Invitae Variant Classification Sherloc (09022015). Collection method: clinical testing. Allele origin: germline.
Comment: For these reasons, this variant has been classified as Pathogenic. This sequence change creates a premature translational stop signal (p.Leu204Phefs*54) in the CYP11B1 gene. It is expected to result in an absent or disrupted protein product. Loss-of-function variants in CYP11B1 are known to be pathogenic (PMID: 8506298, 26476331). This variant is not present in population databases (ExAC no frequency). This variant has not been reported in the literature in individuals with CYP11B1-related conditions.

Literature cited by the submitters: PubMed 8506298; PubMed 26476331.

NM_000497.4(CYP11B1):c.610_611del (p.Leu204fs)

Genes: CYP11B1 (cytochrome P450 family 11 subfamily B member 1; minus strand), LOC106799833 (CYP11B1 recombination region; plus strand). Cytogenetic location: 8q24.3.
Variant type: Microsatellite.
Coding change: c.610_611del on transcript NM_000497.4 (MANE Select); coding-DNA positions 610 to 611, 2 bases deleted (CT; older notation c.610_611delCT).
Protein change: p.Leu204fs; shifts the reading frame from leucine 204.
Molecular consequence: frameshift variant.
Genome position (GRCh38, 1-based): chr8:142,876,870-142,876,871, AG deleted on the plus strand (CT on the coding strand, the reverse complement: CYP11B1 is on the minus strand); deleting any 2 consecutive bases within chr8:142,876,870-142,876,873 gives the same sequence; the c. name uses the placement nearest the transcript's 3' end. VCF-style (leftmost placement, unchanged base first): chr8-142876869-AAG-A. GRCh37 (hg19) VCF-style: chr8-143958285-AAG-A.
Other names: c.610_611del, p.Leu204fs (NM_001026213.1); short protein forms L204fs.
Identifiers: ClinVar variation 1417850 (VCV001417850.6), dbSNP rs2130275613, ClinGen allele CA2579268218.